The following is an entry in ClinVar:

NM_000506.5(F2):c.934G>A (p.Glu312Lys)

Gene: F2 (coagulation factor II, thrombin; plus strand). Cytogenetic location: 11p11.2.
Variant type: single nucleotide variant.
Coding change: c.934G>A on transcript NM_000506.5 (MANE Select); coding-DNA position 934, G replaced by A.
Protein change: p.Glu312Lys; replaces glutamic acid 312 with lysine.
Molecular consequence: missense variant.
Genome position (GRCh38, 1-based): chr11:46,726,557, G>A. VCF-style: chr11-46726557-G-A. GRCh37 (hg19) VCF-style: chr11-46748107-G-A.
Other names: short protein forms E312K.
Identifiers: ClinVar variation 2713018 (VCV002713018.1), dbSNP rs371085757, ClinGen allele CA5967109.

ClinVar aggregate classification (germline): Uncertain significance (1 of 4 stars; one submission).

Conditions:
Congenital prothrombin deficiency. Also called: Factor II deficiency; HYPOPROTHROMBINEMIA; Hereditary factor II deficiency disease; Inherited hypoprothrombinemia; Congenital factor II deficiency; Inherited prothrombin deficiency. Identifiers: Orphanet 325, MedGen C0272317, MONDO:0013361, OMIM 613679.

Allele frequency attached by ClinVar (database versions not stated): ExAC 0.00002; gnomAD exomes 0.00003; ESP Exome Variant Server 0.00008; gnomAD 0.00008; TOPMed 0.00008.
gnomAD v4.1: 49 of 1,613,974 alleles (0.003%); highest among the groups gnomAD compares: African/African-American, 0.017%; no homozygotes.

Submission:

Labcorp Genetics (formerly Invitae), Labcorp
Classification: Uncertain significance for Congenital prothrombin deficiency. Last evaluated: 2023-12-02. Review status: criteria provided, single submitter. Criteria: Invitae Variant Classification Sherloc (09022015). Collection method: clinical testing. Allele origin: germline.
Comment: This sequence change replaces glutamic acid, which is acidic and polar, with lysine, which is basic and polar, at codon 312 of the F2 protein (p.Glu312Lys). This variant is present in population databases (rs371085757, gnomAD 0.02%). This variant has not been reported in the literature in individuals affected with F2-related conditions. Advanced modeling of protein sequence and biophysical properties (such as structural, functional, and spatial information, amino acid conservation, physicochemical variation, residue mobility, and thermodynamic stability) performed at Invitae indicates that this missense variant is not expected to disrupt F2 protein function with a negative predictive value of 80%. In summary, the available evidence is currently insufficient to determine the role of this variant in disease. Therefore, it has been classified as a Variant of Uncertain Significance.